The following is an entry in ClinVar:

ClinVar aggregate classification (germline): Conflicting classifications of pathogenicity. Review status: criteria provided, conflicting classifications (1 of 4 stars). 2 submissions from 2 submitters: Likely pathogenic (1); Uncertain significance (1). Last evaluated 2022-03-02.

Conditions:
Young-onset Parkinson disease. Identifiers: Orphanet 2828, MedGen C4275179, MONDO:0017279.

Allele frequency attached by ClinVar (database versions not stated): gnomAD exomes below 0.00001; gnomAD 0.00001.
gnomAD v4.1: 5 of 1,611,632 alleles (0.00031%); highest among the groups gnomAD compares: Admixed American, 0.0017%; no homozygotes.

Submissions (2):

Labcorp Genetics (formerly Invitae), Labcorp
Classification: Uncertain significance. Last evaluated: 2022-03-02. Review status: criteria provided, single submitter. Criteria: Invitae Variant Classification Sherloc (09022015). Collection method: clinical testing. Allele origin: germline.
Comment: This sequence change replaces glycine, which is neutral and non-polar, with serine, which is neutral and polar, at codon 430 of the PRKN protein (p.Gly430Ser). This variant is present in population databases (no rsID available, gnomAD 0.01%). This missense change has been observed in individual(s) with early-onset Parkinson disease (PMID: 23275044). ClinVar contains an entry for this variant (Variation ID: 1120007). Algorithms developed to predict the effect of missense changes on protein structure and function are either unavailable or do not agree on the potential impact of this missense change (SIFT: "Deleterious"; PolyPhen-2: "Probably Damaging"; Align-GVGD: "Class C0"). This variant disrupts the p.Gly430 amino acid residue in PRKN. Other variant(s) that disrupt this residue have been determined to be pathogenic (PMID: 11179010, 12764051, 20604804, 20798600). This suggests that this residue is clinically significant, and that variants that disrupt this residue are likely to be disease-causing. In summary, the available evidence is currently insufficient to determine the role of this variant in disease. Therefore, it has been classified as a Variant of Uncertain Significance.

Fulgent Genetics
Classification: Likely pathogenic for Young-onset Parkinson disease. Last evaluated: 2021-05-03. Review status: criteria provided, single submitter. Criteria: ACMG Guidelines, 2015. Collection method: clinical testing. Allele origin: germline. Affected: yes.

Literature cited by the submitters: PubMed 23275044 (cited by Labcorp Genetics (formerly Invitae), Labcorp); PubMed 11179010 (cited by Labcorp Genetics (formerly Invitae), Labcorp); PubMed 12764051 (cited by Labcorp Genetics (formerly Invitae), Labcorp); PubMed 20604804 (cited by Labcorp Genetics (formerly Invitae), Labcorp); PubMed 20798600 (cited by Labcorp Genetics (formerly Invitae), Labcorp).

NM_004562.3(PRKN):c.1288G>A (p.Gly430Ser)

Gene: PRKN (parkin RBR E3 ubiquitin protein ligase; minus strand). Cytogenetic location: 6q26.
Variant type: single nucleotide variant.
Coding change: c.1288G>A on transcript NM_004562.3 (MANE Select); coding-DNA position 1288, G replaced by A.
Protein change: p.Gly430Ser; replaces glycine 430 with serine.
Molecular consequence: missense variant.
Genome position (GRCh38, 1-based): chr6:161,350,209, C>T on the plus strand (G>A on the coding strand, the complement: PRKN is on the minus strand). VCF-style: chr6-161350209-C-T. GRCh37 (hg19) VCF-style: chr6-161771241-C-T.
Other names: c.1204G>A, p.Gly402Ser (NM_013987.3); c.841G>A, p.Gly281Ser (NM_013988.3); short protein forms G281S, G402S, G430S.
Identifiers: ClinVar variation 1120007 (VCV001120007.5), dbSNP rs1226997153, ClinGen allele CA366456371.
Genomic context (GRCh38, chr6:161,350,209, plus strand): 5'-CACAGTTCCAGCACCACTCGAGCCTGCACTGGGGCTGCGGACACTTCATGTGCATGCAGC[C>T]TCCTGTTGGGGGCAGAAAACAAAGGTGTGGTGGGTTCGCAGCAAGTACCTGGAAAACACG-3'
Protein context (NP_004553.2, residues 420-440): RCHVPVEKNG[Gly430Ser]CMHMKCPQPQ